The following is an entry in ClinVar:

NM_032638.5(GATA2):c.431C>G (p.Ala144Gly)

Gene: GATA2 (GATA binding protein 2; minus strand). Cytogenetic location: 3q21.3.
Variant type: single nucleotide variant.
Coding change: c.431C>G on transcript NM_032638.5 (MANE Select); coding-DNA position 431, C replaced by G.
Protein change: p.Ala144Gly; replaces alanine 144 with glycine.
Molecular consequence: missense variant.
Genome position (GRCh38, 1-based): chr3:128,486,167, G>C on the plus strand (C>G on the coding strand, the complement: GATA2 is on the minus strand). VCF-style: chr3-128486167-G-C. GRCh37 (hg19) VCF-style: chr3-128205010-G-C.
Other names: c.431C>G, p.Ala144Gly (NM_001145661.2, NM_001145662.1); short protein forms A144G.
Identifiers: ClinVar variation 850509 (VCV000850509.9), dbSNP rs747596994, ClinGen allele CA354406777.

ClinVar aggregate classification (germline): Uncertain significance (1 of 4 stars; one submission).

Conditions:
Deafness-lymphedema-leukemia syndrome. Also called: Lymphedema, primary, with myelodysplasia; Emberger syndrome. Identifiers: Orphanet 3226, MedGen C3279664, MONDO:0013540, OMIM 614038.
Monocytopenia with susceptibility to infections. Also called: Dendritic cell, monocyte, B lymphocyte, and natural killer lymphocyte deficiency; MONOCYTOPENIA AND MYCOBACTERIAL INFECTION SYNDROME; MONOCYTOPENIA WITH SUSCEPTIBILITY TO MYCOBACTERIAL, FUNGAL, AND PAPILLOMAVIRUS INFECTIONS AND MYELODYSPLASIA; COMBINED IMMUNODEFICIENCY WITH SUSCEPTIBILITY TO MYCOBACTERIAL, VIRAL, AND FUNGAL INFECTIONS; IMMUNODEFICIENCY 21; GATA2 DEFICIENCY. Identifiers: Orphanet 228423, MedGen C3280030, MONDO:0013607, OMIM 614172.

Submission:

Labcorp Genetics (formerly Invitae), Labcorp
Classification: Uncertain significance for Monocytopenia with susceptibility to infections; Deafness-lymphedema-leukemia syndrome. Last evaluated: 2022-06-04. Review status: criteria provided, single submitter. Criteria: Invitae Variant Classification Sherloc (09022015). Collection method: clinical testing. Allele origin: germline.
Comment: This sequence change replaces alanine, which is neutral and non-polar, with glycine, which is neutral and non-polar, at codon 144 of the GATA2 protein (p.Ala144Gly). This variant is not present in population databases (gnomAD no frequency). This variant has not been reported in the literature in individuals affected with GATA2-related conditions. ClinVar contains an entry for this variant (Variation ID: 850509). Advanced modeling of protein sequence and biophysical properties (such as structural, functional, and spatial information, amino acid conservation, physicochemical variation, residue mobility, and thermodynamic stability) performed at Invitae indicates that this missense variant is not expected to disrupt GATA2 protein function. In summary, the available evidence is currently insufficient to determine the role of this variant in disease. Therefore, it has been classified as a Variant of Uncertain Significance.